The following is an entry in ClinVar:

ClinVar aggregate classification (germline): Uncertain significance (1 of 4 stars; one submission).

Conditions:
3-hydroxyisobutyryl-CoA hydrolase deficiency. Also called: HIBCH DEFICIENCY; METHACRYLIC ACID TOXICITY; METHACRYLIC ACIDURIA; Reduced circulating 3-hydroxyisobutyryl-CoA hydrolase activity; Deficiency of 3-hydroxyisobutyryl CoA hydrolase; VALINE METABOLIC DEFECT. Identifiers: Orphanet 88639, MedGen C0342738, MONDO:0009603, OMIM 250620, HP:6000215.

Submission:

Labcorp Genetics (formerly Invitae), Labcorp
Classification: Uncertain significance for 3-hydroxyisobutyryl-CoA hydrolase deficiency. Last evaluated: 2023-05-15. Review status: criteria provided, single submitter. Criteria: Invitae Variant Classification Sherloc (09022015). Collection method: clinical testing. Allele origin: germline.
Comment: In summary, the available evidence is currently insufficient to determine the role of this variant in disease. Therefore, it has been classified as a Variant of Uncertain Significance. Advanced modeling of protein sequence and biophysical properties (such as structural, functional, and spatial information, amino acid conservation, physicochemical variation, residue mobility, and thermodynamic stability) performed at Invitae indicates that this missense variant is not expected to disrupt HIBCH protein function. ClinVar contains an entry for this variant (Variation ID: 2047180). This variant has not been reported in the literature in individuals affected with HIBCH-related conditions. This variant is not present in population databases (gnomAD no frequency). This sequence change replaces phenylalanine, which is neutral and non-polar, with leucine, which is neutral and non-polar, at codon 342 of the HIBCH protein (p.Phe342Leu).

NM_014362.4(HIBCH):c.1024T>C (p.Phe342Leu)

Gene: HIBCH (3-hydroxyisobutyryl-CoA hydrolase; minus strand). Cytogenetic location: 2q32.2.
Variant type: single nucleotide variant.
Coding change: c.1024T>C on transcript NM_014362.4 (MANE Select); coding-DNA position 1024, T replaced by C.
Protein change: p.Phe342Leu; replaces phenylalanine 342 with leucine.
Molecular consequence: missense variant. On other transcripts: intron variant (1).
Genome position (GRCh38, 1-based): chr2:190,208,901, A>G on the plus strand (T>C on the coding strand, the complement: HIBCH is on the minus strand). VCF-style: chr2-190208901-A-G. GRCh37 (hg19) VCF-style: chr2-191073627-A-G.
Other names: c.1012-3669T>C (NM_198047.3); short protein forms F342L.
Identifiers: ClinVar variation 2047180 (VCV002047180.4), dbSNP rs1054071302, ClinGen allele CA349894150.